The following is an entry in ClinVar:

NM_000122.2(ERCC3):c.15C>T (p.Asp5=)

Gene: ERCC3 (ERCC excision repair 3, TFIIH core complex helicase subunit; minus strand). Cytogenetic location: 2q14.3.
Variant type: single nucleotide variant.
Coding change: c.15C>T on transcript NM_000122.2 (MANE Select); coding-DNA position 15, C replaced by T.
Protein change: p.Asp5=; no amino-acid change (aspartic acid 5 retained).
Molecular consequence: synonymous variant. On other transcripts: 5 prime UTR variant (2).
Genome position (GRCh38, 1-based): chr2:127,294,067, G>A on the plus strand (C>T on the coding strand, the complement: ERCC3 is on the minus strand). VCF-style: chr2-127294067-G-A. GRCh37 (hg19) VCF-style: chr2-128051643-G-A.
Other names: c.-375C>T (NM_001303416.2); c.-437C>T (NM_001303418.2).
Identifiers: ClinVar variation 2907783 (VCV002907783.4), dbSNP rs745552129, ClinGen allele CA1858703.

ClinVar aggregate classification (germline): Likely benign. Review status: criteria provided, multiple submitters, no conflicts (2 of 4 stars). 2 submissions from 2 submitters: Likely benign (2). Last evaluated 2026-09-01.

Allele frequency attached by ClinVar (database versions not stated): ExAC 0.00001; gnomAD exomes 0.00001; TOPMed 0.00003.
gnomAD v4.1: 11 of 1,608,132 alleles (0.00068%); highest among the groups gnomAD compares: African/African-American, 0.0013%; no homozygotes.

Submissions (2):

CeGaT Center for Human Genetics Tuebingen
Classification: Likely benign. Last evaluated: 2026-09-01. Review status: criteria provided, single submitter. Criteria: CeGaT Center For Human Genetics Tuebingen Variant Classification Criteria Version 2. Collection method: clinical testing. Allele origin: germline. Affected: yes. Observed: 1 variant allele.
Comment: ERCC3: BP4, BP7

Labcorp Genetics (formerly Invitae), Labcorp
Classification: Likely benign. Last evaluated: 2025-03-19. Review status: criteria provided, single submitter. Criteria: Invitae Variant Classification Sherloc (09022015). Collection method: clinical testing. Allele origin: germline.